The following is an entry in ClinVar:

NM_001134363.3(RBM20):c.2398G>A (p.Asp800Asn)

Gene: RBM20 (RNA binding motif protein 20; plus strand). Cytogenetic location: 10q25.2.
Variant type: single nucleotide variant.
Coding change: c.2398G>A on transcript NM_001134363.3 (MANE Select); coding-DNA position 2398, G replaced by A.
Protein change: p.Asp800Asn; replaces aspartic acid 800 with asparagine.
Molecular consequence: missense variant.
Genome position (GRCh38, 1-based): chr10:110,812,795, G>A. VCF-style: chr10-110812795-G-A. GRCh37 (hg19) VCF-style: chr10-112572553-G-A.
Other names: short protein forms D800N.
Identifiers: ClinVar variation 1790651 (VCV001790651.6), dbSNP rs2493475778, ClinGen allele CA378373771.

ClinVar aggregate classification (germline): Uncertain significance. Review status: criteria provided, multiple submitters, no conflicts (2 of 4 stars). 3 submissions from 3 submitters: Uncertain significance (3). Last evaluated 2025-09-29.

Conditions:
Dilated cardiomyopathy 1DD (CMD1DD). Identifiers: Orphanet 154, MedGen C2750995, MONDO:0013168, OMIM 613172.
Cardiovascular phenotype. Identifiers: MedGen CN230736.

Allele frequency attached by ClinVar (database versions not stated): gnomAD exomes below 0.00001.
gnomAD v4.1: 1 of 1,551,338 alleles (0.000064%); highest among the groups gnomAD compares: Non-Finnish European, 0.000087%; no homozygotes.

Submissions (3):

Women's Health and Genetics/Laboratory Corporation of America, LabCorp
Classification: Uncertain significance. Last evaluated: 2025-09-29. Review status: criteria provided, single submitter. Criteria: LabCorp Variant Classification Summary - May 2015. Collection method: clinical testing. Allele origin: germline.

Labcorp Genetics (formerly Invitae), Labcorp
Classification: Uncertain significance for Dilated cardiomyopathy 1DD. Last evaluated: 2023-11-07. Review status: criteria provided, single submitter. Criteria: Invitae Variant Classification Sherloc (09022015). Collection method: clinical testing. Allele origin: germline.
Comment: This sequence change replaces aspartic acid, which is acidic and polar, with asparagine, which is neutral and polar, at codon 800 of the RBM20 protein (p.Asp800Asn). This variant is not present in population databases (gnomAD no frequency). This variant has not been reported in the literature in individuals affected with RBM20-related conditions. ClinVar contains an entry for this variant (Variation ID: 1790651). Advanced modeling of protein sequence and biophysical properties (such as structural, functional, and spatial information, amino acid conservation, physicochemical variation, residue mobility, and thermodynamic stability) performed at Invitae indicates that this missense variant is not expected to disrupt RBM20 protein function with a negative predictive value of 95%. In summary, the available evidence is currently insufficient to determine the role of this variant in disease. Therefore, it has been classified as a Variant of Uncertain Significance.

Ambry Genetics
Classification: Uncertain significance for Cardiovascular phenotype. Last evaluated: 2019-10-21. Review status: criteria provided, single submitter. Criteria: Ambry Variant Classification Scheme 2023. Collection method: clinical testing. Allele origin: germline.
Comment: The p.D800N variant (also known as c.2398G>A), located in coding exon 9 of the RBM20 gene, results from a G to A substitution at nucleotide position 2398. The aspartic acid at codon 800 is replaced by asparagine, an amino acid with highly similar properties. This amino acid position is well conserved in available vertebrate species; however, asparagine is the reference amino acid in other vertebrate species. In addition, this alteration is predicted to be tolerated by in silico analysis. Since supporting evidence is limited at this time, the clinical significance of this alteration remains unclear.